The following is an entry in ClinVar:

NM_006978.3(RNF113A):c.1019T>G (p.Ile340Ser)

Gene: RNF113A (ring finger protein 113A; minus strand). Cytogenetic location: Xq24.
Variant type: single nucleotide variant.
Coding change: c.1019T>G on transcript NM_006978.3 (MANE Select); coding-DNA position 1019, T replaced by G.
Protein change: p.Ile340Ser; replaces isoleucine 340 with serine.
Molecular consequence: missense variant.
Genome position (GRCh38, 1-based): chrX:119,870,595, A>C on the plus strand (T>G on the coding strand, the complement: RNF113A is on the minus strand). VCF-style: chrX-119870595-A-C. GRCh37 (hg19) VCF-style: chrX-119004558-A-C.
Other names: short protein forms I340S.
Identifiers: ClinVar variation 1804317 (VCV001804317.1), dbSNP rs2521606968, ClinGen allele CA414186216.
Genomic context (GRCh38, chrX:119,870,595, plus strand): 5'-CAAAAGAACAAAACGTTTATTTTTTAAATTTAAGAATTATGGGAAACCTAAGTAATGGGA[A>C]TTGCATCCTCATCGGGGTCTTCTGGCAAGTCGGAAGCACCACCCTCTCCTGTAGCTCGAT-3'
Protein context (NP_008909.1, residues 330-343): DLPEDPDEDA[Ile340Ser]PIT

ClinVar aggregate classification (germline): Uncertain significance (1 of 4 stars; one submission).

Submission:

GeneDx
Classification: Uncertain significance. Last evaluated: 2022-06-14. Review status: criteria provided, single submitter. Criteria: GeneDx Variant Classification Process June 2021. Collection method: clinical testing. Allele origin: germline. Affected: yes.
Comment: Not observed at significant frequency in large population cohorts (gnomAD); In silico analysis supports that this missense variant does not alter protein structure/function; Has not been previously published as pathogenic or benign to our knowledge